The following is an entry in ClinVar:

ClinVar aggregate classification (germline): Pathogenic (1 of 4 stars; one submission).

Conditions:
Spastic paraplegia. Identifiers: MedGen C0037772, HP:0001258.

Submission:

Labcorp Genetics (formerly Invitae), Labcorp
Classification: Pathogenic for Spastic paraplegia. Last evaluated: 2022-04-08. Review status: criteria provided, single submitter. Criteria: Invitae Variant Classification Sherloc (09022015). Collection method: clinical testing. Allele origin: germline.
Comment: This sequence change creates a premature translational stop signal (p.Ala235Serfs*12) in the B4GALNT1 gene. It is expected to result in an absent or disrupted protein product. Loss-of-function variants in B4GALNT1 are known to be pathogenic (PMID: 23746551). This variant is not present in population databases (gnomAD no frequency). This variant has not been reported in the literature in individuals affected with B4GALNT1-related conditions. For these reasons, this variant has been classified as Pathogenic.

Literature cited by the submitters: PubMed 23746551.

NM_001478.5(B4GALNT1):c.702dup (p.Ala235fs)

Gene: B4GALNT1 (beta-1,4-N-acetyl-galactosaminyltransferase 1; minus strand). Cytogenetic location: 12q13.3.
Variant type: Duplication.
Coding change: c.702dup on transcript NM_001478.5 (MANE Select); coding-DNA position 702, one base duplicated (A; older notation c.702dupA).
Protein change: p.Ala235fs; shifts the reading frame from alanine 235.
Molecular consequence: frameshift variant.
Genome position (GRCh38, 1-based): chr12:57,630,162, T duplicated on the plus strand (A on the coding strand, the reverse complement: B4GALNT1 is on the minus strand). VCF-style (leftmost placement, unchanged base first): chr12-57630161-C-CT. GRCh37 (hg19) VCF-style: chr12-58023944-C-CT.
Other names: c.537dup, p.Ala180fs (NM_001276468.2); c.702dup, p.Ala235fs (NM_001276469.2); c.702dup, p.Ala235Serfs (NM_001413967.1, NM_001413968.1, NM_001413969.1 and 8 more transcripts); c.537dup, p.Ala180Serfs (NM_001413978.1); c.-286dup (NM_001413981.1, NM_001413982.1, NM_001413983.1 and 1 more transcripts); short protein forms A180fs, A235fs.
Identifiers: ClinVar variation 2123385 (VCV002123385.4), dbSNP rs2540667597, ClinGen allele CA2580086571.